The following is an entry in ClinVar:

ClinVar aggregate classification (germline): Uncertain significance. Review status: criteria provided, multiple submitters, no conflicts (2 of 4 stars). 2 submissions from 2 submitters: Uncertain significance (2). Last evaluated 2025-03-26.

Submissions (2):

Labcorp Genetics (formerly Invitae), Labcorp
Classification: Uncertain significance. Last evaluated: 2025-03-26. Review status: criteria provided, single submitter. Criteria: Invitae Variant Classification Sherloc (09022015). Collection method: clinical testing. Allele origin: germline.
Comment: This sequence change replaces aspartic acid, which is acidic and polar, with valine, which is neutral and non-polar, at codon 391 of the LRP5 protein (p.Asp391Val). This variant is present in population databases (no rsID available, gnomAD 0.0009%). This variant has not been reported in the literature in individuals affected with LRP5-related conditions. ClinVar contains an entry for this variant (Variation ID: 2662962). Invitae Evidence Modeling of protein sequence and biophysical properties (such as structural, functional, and spatial information, amino acid conservation, physicochemical variation, residue mobility, and thermodynamic stability) indicates that this missense variant is expected to disrupt LRP5 protein function with a positive predictive value of 95%. In summary, the available evidence is currently insufficient to determine the role of this variant in disease. Therefore, it has been classified as a Variant of Uncertain Significance.

GeneDx
Classification: Uncertain significance. Last evaluated: 2023-11-07. Review status: criteria provided, single submitter. Criteria: GeneDx Variant Classification Process June 2021. Collection method: clinical testing. Allele origin: germline. Affected: yes.
Comment: Not observed at a significant frequency in large population cohorts (gnomAD); In silico analysis supports that this missense variant has a deleterious effect on protein structure/function; Has not been previously published as pathogenic or benign to our knowledge

NM_002335.4(LRP5):c.1172A>T (p.Asp391Val)

Gene: LRP5 (LDL receptor related protein 5; plus strand). Cytogenetic location: 11q13.2.
Variant type: single nucleotide variant.
Coding change: c.1172A>T on transcript NM_002335.4 (MANE Select); coding-DNA position 1172, A replaced by T.
Protein change: p.Asp391Val; replaces aspartic acid 391 with valine.
Molecular consequence: missense variant. On other transcripts: 5 prime UTR variant (1).
Genome position (GRCh38, 1-based): chr11:68,386,472, A>T. VCF-style: chr11-68386472-A-T. GRCh37 (hg19) VCF-style: chr11-68153940-A-T.
Other names: c.-594A>T (NM_001291902.2); short protein forms D391V.
Identifiers: ClinVar variation 2662962 (VCV002662962.4), dbSNP rs1323247011, ClinGen allele CA381612390.